The following is an entry in ClinVar:

NM_014704.4(CEP104):c.254C>T (p.Ala85Val)

Gene: CEP104 (centrosomal protein 104; minus strand). Cytogenetic location: 1p36.32.
Variant type: single nucleotide variant.
Coding change: c.254C>T on transcript NM_014704.4 (MANE Select); coding-DNA position 254, C replaced by T.
Protein change: p.Ala85Val; replaces alanine 85 with valine.
Molecular consequence: missense variant.
Genome position (GRCh38, 1-based): chr1:3,848,641, G>A on the plus strand (C>T on the coding strand, the complement: CEP104 is on the minus strand). VCF-style: chr1-3848641-G-A. GRCh37 (hg19) VCF-style: chr1-3765205-G-A.
Other names: short protein forms A85V.
Identifiers: ClinVar variation 2058633 (VCV002058633.4), dbSNP rs2525523628, ClinGen allele CA338048781.
Genomic context (GRCh38, chr1:3,848,641, plus strand): 5'-ATGATACATTTTAAATTTCATTCTTACCCAAGTCTTCGAAACCGCTCTGCTTGATAGGGT[G>A]CAAAATATTCAGGCAAGCTTTCACTAATGTAGAACTCAATTTTACTTGAAATCATATACT-3'
Protein context (NP_055519.1, residues 75-95): YISESLPEYF[Ala85Val]PYQAERFRRL

ClinVar aggregate classification (germline): Uncertain significance (1 of 4 stars; one submission).

Conditions:
Joubert syndrome 25 (JBTS25). Identifiers: Orphanet 475, MedGen C4084842, MONDO:0014770, OMIM 616781.

Submission:

Labcorp Genetics (formerly Invitae), Labcorp
Classification: Uncertain significance for Joubert syndrome 25. Last evaluated: 2023-11-27. Review status: criteria provided, single submitter. Criteria: Invitae Variant Classification Sherloc (09022015). Collection method: clinical testing. Allele origin: germline.
Comment: This sequence change replaces alanine, which is neutral and non-polar, with valine, which is neutral and non-polar, at codon 85 of the CEP104 protein (p.Ala85Val). This variant is not present in population databases (gnomAD no frequency). This variant has not been reported in the literature in individuals affected with CEP104-related conditions. ClinVar contains an entry for this variant (Variation ID: 2058633). Algorithms developed to predict the effect of missense changes on protein structure and function output the following: SIFT: "Not Available"; PolyPhen-2: "Benign"; Align-GVGD: "Not Available". The valine amino acid residue is found in multiple mammalian species, which suggests that this missense change does not adversely affect protein function. In summary, the available evidence is currently insufficient to determine the role of this variant in disease. Therefore, it has been classified as a Variant of Uncertain Significance.